The following is an entry in ClinVar:

ClinVar aggregate classification (germline): Uncertain significance (1 of 4 stars; one submission).

Conditions:
Long QT syndrome (LQTS). Identifiers: MedGen C0023976, MeSH D008133, MONDO:0002442. Disease mechanism: loss of function. Inheritance: Various modes of inheritance.

Submission:

Labcorp Genetics (formerly Invitae), Labcorp
Classification: Uncertain significance for Long QT syndrome. Last evaluated: 2021-02-03. Review status: criteria provided, single submitter. Criteria: Invitae Variant Classification Sherloc (09022015). Collection method: clinical testing. Allele origin: germline.
Comment: This sequence change falls in intron 6 of the AKAP9 gene. It does not directly change the encoded amino acid sequence of the AKAP9 protein. It affects a nucleotide within the consensus splice site of the intron. This variant is not present in population databases (ExAC no frequency). This variant has not been reported in the literature in individuals with AKAP9-related conditions. Nucleotide substitutions within the consensus splice site are a relatively common cause of aberrant splicing (PMID: 17576681, 9536098). Algorithms developed to predict the effect of sequence changes on RNA splicing suggest that this variant may disrupt the consensus splice site, but this prediction has not been confirmed by published transcriptional studies. In summary, the available evidence is currently insufficient to determine the role of this variant in disease. Therefore, it has been classified as a Variant of Uncertain Significance.

Literature cited by the submitters: PubMed 17576681; PubMed 9536098.

NM_005751.5(AKAP9):c.732+4_732+7del

Gene: AKAP9 (A-kinase anchoring protein 9; plus strand). Cytogenetic location: 7q21.2.
Variant type: Microsatellite.
Coding change: c.732+4_732+7del on transcript NM_005751.5 (MANE Select); bases 4 to 7 of the intron after coding-DNA position 732, 4 bases deleted (AGTA; older notation c.732+4_732+7delAGTA).
Molecular consequence: splice donor variant.
Genome position (GRCh38, 1-based): chr7:91,994,780-91,994,783, AGTA deleted; deleting any 4 consecutive bases within chr7:91,994,775-91,994,783 gives the same sequence; the c. name uses the placement nearest the transcript's 3' end. VCF-style (leftmost placement, unchanged base first): chr7-91994774-CAAGT-C. GRCh37 (hg19) VCF-style: chr7-91624088-CAAGT-C.
Other names: c.732+4_732+7del (NM_147185.3).
Identifiers: ClinVar variation 1465587 (VCV001465587.6), dbSNP rs1488983909, ClinGen allele CA843811111.